The following is an entry in ClinVar:

NM_000512.5(GALNS):c.1221C>G (p.Asn407Lys)

Gene: GALNS (galactosamine (N-acetyl)-6-sulfatase; minus strand). Cytogenetic location: 16q24.3.
Variant type: single nucleotide variant.
Coding change: c.1221C>G on transcript NM_000512.5 (MANE Select); coding-DNA position 1221, C replaced by G.
Protein change: p.Asn407Lys; replaces asparagine 407 with lysine.
Molecular consequence: missense variant.
Genome position (GRCh38, 1-based): chr16:88,824,788, G>C on the plus strand (C>G on the coding strand, the complement: GALNS is on the minus strand). VCF-style: chr16-88824788-G-C. GRCh37 (hg19) VCF-style: chr16-88891196-G-C.
Other names: c.666C>G, p.Asn222Lys (NM_001323543.2); c.1239C>G, p.Asn413Lys (NM_001323544.2); short protein forms N222K, N407K, N413K.
Identifiers: ClinVar variation 1048348 (VCV001048348.3), dbSNP rs2142993785, ClinGen allele CA397097487.

ClinVar aggregate classification (germline): Uncertain significance (1 of 4 stars; one submission).

Conditions:
Mucopolysaccharidosis, MPS-IV-A (MPS4A). Also called: Mucopolysaccharidosis type IV A; Mucopolysaccharidosis Type IVA; Morquio syndrome A, mild; MORQUIO SYNDROME A; MPS IVA; mucopolysaccharidosis type 4A. Identifiers: Orphanet 309297, Orphanet 582, MedGen C0086651, MONDO:0009659, OMIM 253000.

Submission:

Laboratory of Diagnosis and Therapy of Lysosomal Disorders, University of Padova
Classification: Uncertain significance for Mucopolysaccharidosis, MPS-IV-A. Last evaluated: 2021-02-01. Review status: criteria provided, single submitter. Criteria: ACMG Guidelines, 2015. Collection method: research. Allele origin: germline. Affected: yes.
Comment: In vivo functional studies supportive of a damaging effect on the gene product (low to null enzymatic activity in homozygotes; PS3_supporting); very low frequency in gnomAD v2.1.1 (PM2_moderate); multiple lines of computational evidence suggest no impact on gene or gene product (BP4_supporting)

Literature cited by the submitters: PubMed 34387910.